The following is an entry in ClinVar:

NM_004656.4(BAP1):c.188_189dup (p.Thr64fs)

Gene: BAP1 (BRCA1 associated deubiquitinase 1; minus strand). Cytogenetic location: 3p21.1.
Variant type: Microsatellite.
Coding change: c.188_189dup on transcript NM_004656.4 (MANE Select); coding-DNA positions 188 to 189, 2 bases duplicated (CT; older notation c.188_189dupCT).
Protein change: p.Thr64fs; shifts the reading frame from threonine 64.
Molecular consequence: frameshift variant.
Genome position (GRCh38, 1-based): chr3:52,408,540-52,408,541, AG duplicated on the plus strand (CT on the coding strand, the reverse complement: BAP1 is on the minus strand); duplicating any 2 consecutive bases within chr3:52,408,540-52,408,544 gives the same sequence; the c. name uses the placement nearest the transcript's 3' end. VCF-style (leftmost placement, unchanged base first): chr3-52408539-T-TAG. GRCh37 (hg19) VCF-style: chr3-52442555-T-TAG.
Other names: short protein forms T64fs.
Identifiers: ClinVar variation 841989 (VCV000841989.7), dbSNP rs1705237553, ClinGen allele CA891841813.

ClinVar aggregate classification (germline): Pathogenic (1 of 4 stars; one submission).

Conditions:
BAP1-related tumor predisposition syndrome (TPDS1). Also called: Tumor susceptibility linked to germline BAP1 mutations; BAP1 tumor predisposition syndrome; COMMON Syndrome; TUMOR PREDISPOSITION SYNDROME 1. Identifiers: Orphanet 289539, MedGen C3280492, MONDO:0013692, OMIM 614327.

Submission:

Labcorp Genetics (formerly Invitae), Labcorp
Classification: Pathogenic for BAP1-related tumor predisposition syndrome. Last evaluated: 2022-06-13. Review status: criteria provided, single submitter. Criteria: Invitae Variant Classification Sherloc (09022015). Collection method: clinical testing. Allele origin: germline.
Comment: This variant has not been reported in the literature in individuals affected with BAP1-related conditions. ClinVar contains an entry for this variant (Variation ID: 841989). For these reasons, this variant has been classified as Pathogenic. This variant is not present in population databases (gnomAD no frequency). This sequence change creates a premature translational stop signal (p.Thr64Leufs*9) in the BAP1 gene. It is expected to result in an absent or disrupted protein product. Loss-of-function variants in BAP1 are known to be pathogenic (PMID: 21874000, 23684012).

Literature cited by the submitters: PubMed 21874000; PubMed 23684012.